The following is an entry in ClinVar:

NM_001126108.2(SLC12A3):c.2856+9A>G

Gene: SLC12A3 (solute carrier family 12 member 3; plus strand). Cytogenetic location: 16q13.
Variant type: single nucleotide variant.
Coding change: c.2856+9A>G on transcript NM_001126108.2 (MANE Select); 9 bases into the intron after coding-DNA position 2856, A replaced by G.
Molecular consequence: intron variant.
Genome position (GRCh38, 1-based): chr16:56,902,517, A>G. VCF-style: chr16-56902517-A-G. GRCh37 (hg19) VCF-style: chr16-56936429-A-G.
Other names: c.2883+9A>G (NM_000339.3, NM_000339.2); c.2880+9A>G (NM_001126107.2).
Identifiers: ClinVar variation 1581890 (VCV001581890.9), dbSNP rs777687368, ClinGen allele CA8070078.

ClinVar aggregate classification (germline): Likely benign. Review status: criteria provided, single submitter (1 of 4 stars). 2 submissions from 2 submitters: Likely benign (1). 1 of the submissions does not count toward it. Last evaluated 2025-12-19.

Conditions:
SLC12A3-related disorder. Also called: SLC12A3-related condition.

Allele frequency attached by ClinVar (database versions not stated): ExAC 0.00023.

Submissions (2):

Labcorp Genetics (formerly Invitae), Labcorp
Classification: Likely benign. Last evaluated: 2025-12-19. Review status: criteria provided, single submitter. Criteria: Invitae Variant Classification Sherloc (09022015). Collection method: clinical testing. Allele origin: germline.

PreventionGenetics, part of Exact Sciences
Classification: Likely benign for SLC12A3-related condition. Last evaluated: 2024-05-29. Review status: no assertion criteria provided. Collection method: clinical testing. Allele origin: germline. Not counted in ClinVar's aggregate classification.
Comment: This variant is classified as likely benign based on ACMG/AMP sequence variant interpretation guidelines (Richards et al. 2015 PMID: 25741868, with internal and published modifications).